The following is an entry in ClinVar:

ClinVar aggregate classification (germline): Uncertain significance (1 of 4 stars; one submission).

Conditions:
Osteogenesis imperfecta type I (OI1). Also called: Lobstein disease; OI, TYPE I; OSTEOGENESIS IMPERFECTA TARDA; OSTEOGENESIS IMPERFECTA WITH BLUE SCLERAE; Osteogenesis imperfecta type 1; Lobstein's Disease. Identifiers: Orphanet 216796, Orphanet 666, MedGen C0023931, MONDO:0008146, OMIM 166200. Disease mechanism: loss of function.
Ehlers-Danlos syndrome, classic type, 1 (EDSCL1). Also called: EDS I; EHLERS-DANLOS SYNDROME, GRAVIS TYPE; EHLERS-DANLOS SYNDROME, SEVERE CLASSIC TYPE; Ehlers-Danlos syndrome, type 1; Ehlers-Danlos Syndrome, Classic Type, COL5A1-Related. Identifiers: MedGen C0268335, MONDO:0019567, OMIM 130000.

Submission:

Labcorp Genetics (formerly Invitae), Labcorp
Classification: Uncertain significance for Osteogenesis imperfecta type I; Ehlers-Danlos syndrome, classic type, 1. Last evaluated: 2023-11-15. Review status: criteria provided, single submitter. Criteria: Invitae Variant Classification Sherloc (09022015). Collection method: clinical testing. Allele origin: germline.
Comment: This sequence change replaces alanine, which is neutral and non-polar, with threonine, which is neutral and polar, at codon 260 of the COL1A2 protein (p.Ala260Thr). This variant is not present in population databases (gnomAD no frequency). This variant has not been reported in the literature in individuals affected with COL1A2-related conditions. Advanced modeling of protein sequence and biophysical properties (such as structural, functional, and spatial information, amino acid conservation, physicochemical variation, residue mobility, and thermodynamic stability) performed at Invitae indicates that this missense variant is not expected to disrupt COL1A2 protein function with a negative predictive value of 95%. Algorithms developed to predict the effect of sequence changes on RNA splicing suggest that this variant may create or strengthen a splice site. In summary, the available evidence is currently insufficient to determine the role of this variant in disease. Therefore, it has been classified as a Variant of Uncertain Significance.

NM_000089.4(COL1A2):c.778G>A (p.Ala260Thr)

Gene: COL1A2 (collagen type I alpha 2 chain; plus strand). Cytogenetic location: 7q21.3.
Variant type: single nucleotide variant.
Coding change: c.778G>A on transcript NM_000089.4 (MANE Select); coding-DNA position 778, G replaced by A.
Protein change: p.Ala260Thr; replaces alanine 260 with threonine.
Molecular consequence: missense variant.
Genome position (GRCh38, 1-based): chr7:94,408,809, G>A. VCF-style: chr7-94408809-G-A. GRCh37 (hg19) VCF-style: chr7-94038121-G-A.
Other names: short protein forms A260T.
Identifiers: ClinVar variation 2953897 (VCV002953897.3), dbSNP rs2484706851, ClinGen allele CA368220502.